The following is an entry in ClinVar:

NM_003002.4(SDHD):c.112C>T (p.Arg38Ter)

Gene: SDHD (succinate dehydrogenase complex subunit D; plus strand). Cytogenetic location: 11q23.1.
Variant type: single nucleotide variant.
Coding change: c.112C>T on transcript NM_003002.4 (MANE Select); coding-DNA position 112, C replaced by T.
Protein change: p.Arg38Ter; replaces arginine 38 with a stop codon.
Molecular consequence: nonsense. On other transcripts: non-coding transcript variant (1), intron variant (1).
Genome position (GRCh38, 1-based): chr11:112,087,916, C>T. VCF-style: chr11-112087916-C-T. GRCh37 (hg19) VCF-style: chr11-111958640-C-T.
Other names: c.112C>T, p.Arg38Ter (NM_001276503.2, NM_001276506.2); c.53-951C>T (NM_001276504.2); short protein forms R38*.
Identifiers: ClinVar variation 6893 (VCV000006893.37), dbSNP rs80338843, ClinGen allele CA016789.

ClinVar aggregate classification (germline): Pathogenic. Review status: criteria provided, multiple submitters, no conflicts (2 of 4 stars). 14 submissions from 14 submitters: Pathogenic (11). 3 of the submissions do not count toward it. Last evaluated 2025-08-26.

Conditions:
Paragangliomas with sensorineural hearing loss. Identifiers: MedGen C1868633.
Pheochromocytoma. Also called: MAX-Related Hereditary Paraganglioma-Pheochromocytoma Syndrome. Identifiers: Orphanet 29072, MedGen C0031511, MONDO:0008233, OMIM 171300, HP:0002666.
Carney-Stratakis syndrome. Also called: PARAGANGLIOMA AND GASTROINTESTINAL STROMAL TUMOR. Identifiers: Orphanet 97286, MedGen C1847319, MONDO:0011740, OMIM 606864.
Cowden syndrome 3 (CWS3). Identifiers: Orphanet 201, MedGen CN166604, MONDO:0014045.
Hereditary cancer-predisposing syndrome. Also called: Neoplastic Syndromes, Hereditary; Tumor predisposition; Hereditary neoplastic syndrome; Hereditary Cancer Syndrome. Identifiers: Orphanet 140162, MedGen C0027672, MeSH D009386, MONDO:0015356.
Hereditary pheochromocytoma and paraganglioma. Also called: Hereditary Paraganglioma-Pheochromocytoma Syndromes; Hereditary paragangliomas and pheochromocytomas; Hereditary pheochromocytoma-paraganglioma. Identifiers: Orphanet 29072, MedGen C4274332, MONDO:0017366.
Pheochromocytoma/paraganglioma syndrome 1. Also called: SDHD-Related Hereditary Paraganglioma-Pheochromocytoma Syndrome; PARAGANGLIOMATA; PARAGANGLIOMAS, FAMILIAL NONCHROMAFFIN, 1; PGL 1; Paragangliomas familial 1; Paragangliomas 1. Identifiers: Orphanet 29072, MedGen C3494181, MONDO:0008192, OMIM 168000.

Submissions 1 to 9 of 14:

Institute for Genomic Medicine (IGM) Clinical Laboratory, Nationwide Children's Hospital
Classification: Pathogenic for Pheochromocytoma/paraganglioma syndrome 1. Last evaluated: 2025-08-26. Review status: criteria provided, single submitter. Criteria: ACMG Guidelines, 2015. Collection method: clinical testing. Allele origin: germline.
Comment: This variant is predicted to result in loss of function through nonsense-mediated decay of the encoded transcript or premature truncation of the encoded protein in a gene in which loss of function is a known mechanism of disease (ACMG/AMP: PVS1; PMIDs:19454582, 15883710). This variant has been reported at an elevated frequency in affected individuals/in multiple affected individuals in the literature (ACMG/AMP: PS4; PMIDs:10657297, 12000816, 15328326, 19454582, 17563904, 20418362, 19825962). This variant is absent from or present at an exceedingly low frequency in gnomAD, a large-scale control population database (ACMG/AMP: PM2).

Labcorp Genetics (formerly Invitae), Labcorp
Classification: Pathogenic for Carney-Stratakis syndrome; Paragangliomas with sensorineural hearing loss; Pheochromocytoma; Cowden syndrome 3. Last evaluated: 2025-07-04. Review status: criteria provided, single submitter. Criteria: Invitae Variant Classification Sherloc (09022015). Collection method: clinical testing. Allele origin: germline.
Comment: This sequence change creates a premature translational stop signal (p.Arg38*) in the SDHD gene. It is expected to result in an absent or disrupted protein product. Loss-of-function variants in SDHD are known to be pathogenic (PMID: 19454582, 19802898). This variant is not present in population databases (gnomAD no frequency). This premature translational stop signal has been observed in individual(s) with paraganglioma and pheochromocytoma (PMID: 10657297, 11156372, 11897817, 12000816, 15328326, 19454582, 19825962, 21348866, 26269449). ClinVar contains an entry for this variant (Variation ID: 6893). For these reasons, this variant has been classified as Pathogenic.

Ambry Genetics
Classification: Pathogenic for Hereditary cancer-predisposing syndrome. Last evaluated: 2025-05-27. Review status: criteria provided, single submitter. Criteria: Ambry Variant Classification Scheme 2023. Collection method: clinical testing. Allele origin: germline.
Comment: The p.R38* pathogenic mutation (also known as c.112C>T), located in coding exon 2 of the SDHD gene, results from a C to T substitution at nucleotide position 112. This changes the amino acid from an arginine to a stop codon within coding exon 2. This variant was reported in individual(s) with features consistent with SDHD-related paraganglioma-pheochromocytoma syndrome (Baysal BE et al. Science, 2000 Feb;287:848-51; Gimm O et al. Cancer Res, 2000 Dec;60:6822-5; Neumann HP et al. N Engl J Med, 2002 May;346:1459-66; Fish JH et al. Head Neck, 2007 Sep;29:864-73; Erlic Z et al. Clin Cancer Res, 2009 Oct;15:6378-85; Lodish MB et al. Endocr Relat Cancer, 2010 Sep;17:581-8). This alteration is expected to result in loss of function by premature protein truncation or nonsense-mediated mRNA decay. In silico splice site analysis predicts that this alteration will not have any significant effect on splicing; however, RNA studies have demonstrated that this alteration also results in an incomplete splice defect (Ambry internal data). This variant is considered to be rare based on population cohorts in the Genome Aggregation Database (gnomAD). Based on the supporting evidence, this variant is interpreted as a disease-causing mutation.

Color Diagnostics, LLC DBA Color Health
Classification: Pathogenic for Hereditary pheochromocytoma and paraganglioma. Last evaluated: 2024-09-23. Review status: criteria provided, single submitter. Criteria: ACMG Guidelines, 2015. Collection method: clinical testing. Allele origin: germline.
Comment: This variant changes 1 nucleotide in exon 2 of the SDHD gene, creating a premature translation stop signal. This variant is expected to result in an absent or non-functional protein product. This variant has been reported in individuals affected with hereditary paranganglioma-pheochromocytoma syndrome (PMID: 11156372, 15328326, 19454582, 19825962, 21348866, 30484866, 30484866). It has been shown that this variant segregates with disease with the disease in one family (PMID: 30484866). This variant has not been identified in the general population by the Genome Aggregation Database (gnomAD). Loss of SDHD function is a known mechanism of disease. Based on the available evidence, this variant is classified as Pathogenic.

All of Us Research Program, National Institutes of Health
Classification: Pathogenic for Hereditary pheochromocytoma and paraganglioma. Last evaluated: 2024-08-07. Review status: criteria provided, single submitter. Criteria: ACMG Guidelines, 2015. Collection method: clinical testing. Allele origin: germline. Inheritance: Autosomal dominant inheritance. Observed: 1 variant allele, 1 heterozygote.
Comment: The c.112C>T (p.Arg38*) variant in the SDHD gene is located in exon 2 and introduces an early stop codon. It is predicted to result in an absent or disrupted protein product. This variant has been reported in multiple individuals affected with paraganglioma and pheochromocytoma (PMID: 10657297, 11156372, 11897817, 12000816, 15328326, 19825962, 19454582, 21348866, 30484866) and segregated with disease (PMID: 10657297, 19454582, 21348866, 30484866). Loss-of-function variants in SDHD gene are known to be pathogenic (PMID: 10657297, 12111639, 11343322). This variant has been classified as pathogenic by multiple submitters in ClinVar (ID: 6893). This variant is absent in the general population database (gnomAD). Therefore, this variant is classified as pathogenic.

This study involves interpretation of variants in research participants for the purpose of population health screening. Participant phenotype was not available at the time of variant classification. Additional details can be found in publication PMID: 35346344, PMCID: PMC8962531

Quest Diagnostics Nichols Institute San Juan Capistrano
Classification: Pathogenic. Last evaluated: 2024-04-14. Review status: criteria provided, single submitter. Criteria: Quest Diagnostics criteria. Collection method: clinical testing. Allele origin: unknown.
Comment: The SDHD c.112C>T (p.Arg38*) variant causes the premature termination of SDHD protein synthesis. This variant has been reported in the published literature in individuals with hereditary paraganglioma-pheochromocytoma (PMID: 34750850 (2022), 32971818 (2020), 26269449 (2015), 21348866 (2012), 19825962 (2009), 15328326 (2004), 12000816 (2002)). This variant has not been reported in large, multi-ethnic general populations (Genome Aggregation Database). Based on the available information, this variant is classified as pathogenic.

GeneDx
Classification: Pathogenic. Last evaluated: 2023-08-18. Review status: criteria provided, single submitter. Criteria: GeneDx Variant Classification Process June 2021. Collection method: clinical testing. Allele origin: germline. Affected: yes.
Comment: Nonsense variant predicted to result in protein truncation or nonsense mediated decay in a gene for which loss-of-function is a known mechanism of disease; Not observed at significant frequency in large population cohorts (gnomAD); This variant is associated with the following publications: (PMID: 10657297, 12000816, 19825962, 12811540, 21348866, 12351569, 26273102, 12205103, 8981955, 27867439, 27700540, 33219105, 25525159, 11156372, 25791839, 17563904, 12364472, 22517557, 20418362, 11897817, 11391798, 15328326, 19454582, 26269449, 15066320, 22566157, 28748451, 27073498, 32561571, 34750850)

Women's Health and Genetics/Laboratory Corporation of America, LabCorp
Classification: Pathogenic for Hereditary pheochromocytoma and paraganglioma. Last evaluated: 2022-03-30. Review status: criteria provided, single submitter. Criteria: LabCorp Variant Classification Summary - May 2015. Collection method: clinical testing. Allele origin: germline.
Comment: Variant summary: SDHD c.112C>T (p.Arg38X) results in a premature termination codon, predicted to cause a truncation of the encoded protein or absence of the protein due to nonsense mediated decay, which are commonly known mechanisms for disease. Truncations downstream of this position have been classified as pathogenic by our laboratory. The variant was absent in 251472 control chromosomes (gnomAD). c.112C>T has been reported in the literature in multiple individuals affected with Hereditary Paraganglioma-Pheochromocytoma Syndrome and was shown to co-segregate with disease within families (e.g. Baysal_2000, Neumann_2002, Erlic_2009, Ding_2019). These data indicate that the variant is very likely to be associated with disease. Four ClinVar submitters (evaluation after 2014) cite the variant as pathogenic. Based on the evidence outlined above, the variant was classified as pathogenic.

Genetics and Molecular Pathology, SA Pathology
Classification: Pathogenic for Hereditary pheochromocytoma and paraganglioma. Last evaluated: 2019-08-15. Review status: criteria provided, single submitter. Criteria: ACMG Guidelines, 2015. Collection method: clinical testing. Allele origin: germline. Inheritance: Autosomal dominant inheritance. Affected: yes.